The following is an entry in ClinVar:

NM_001972.4(ELANE):c.784C>T (p.Pro262Ser)

Gene: ELANE (elastase, neutrophil expressed; plus strand). Cytogenetic location: 19p13.3.
Variant type: single nucleotide variant.
Coding change: c.784C>T on transcript NM_001972.4 (MANE Select); coding-DNA position 784, C replaced by T.
Protein change: p.Pro262Ser; replaces proline 262 with serine.
Molecular consequence: missense variant.
Genome position (GRCh38, 1-based): chr19:856,144, C>T. VCF-style: chr19-856144-C-T. GRCh37 (hg19) VCF-style: chr19-856144-C-T.
Other names: c.784C>T (NM_001972.3, LRG_57t1); short protein forms P262S.
Identifiers: ClinVar variation 535838 (VCV000535838.21), dbSNP rs138211132, ClinGen allele CA9026166.

ClinVar aggregate classification (germline): Likely benign. Review status: criteria provided, multiple submitters, no conflicts (2 of 4 stars). 4 submissions from 4 submitters: Likely benign (4). Last evaluated 2026-04-23.

Conditions:
Cyclical neutropenia. Also called: Cyclic hematopoiesis; Cyclic Neutropenia. Identifiers: Orphanet 2686, MedGen C0221023, MONDO:0008090, OMIM 162800, HP:0040289. Disease mechanism: loss of function.
Neutropenia, severe congenital, 1, autosomal dominant. Identifiers: MedGen C1859966, MONDO:0042490, OMIM 202700.
ELANE-related disorder. Also called: ELANE-related condition.

Allele frequency attached by ClinVar (database versions not stated): gnomAD exomes 0.00005 and 0.00013; ExAC 0.00014; gnomAD 0.00045 and 0.00046; 1000 Genomes Project 30x 0.00047; TOPMed 0.00057; 1000 Genomes Project 0.00060; ESP Exome Variant Server 0.00092.

Submissions (4):

PreventionGenetics, part of Exact Sciences
Classification: Likely benign for ELANE-related condition. Last evaluated: 2026-04-23. Review status: criteria provided, single submitter. Criteria: ACMG Guidelines, 2015. Collection method: clinical testing. Allele origin: germline.
Comment: This variant is classified as likely benign based on ACMG/AMP sequence variant interpretation guidelines (Richards et al. 2015 PMID: 25741868, with internal and published modifications).

Labcorp Genetics (formerly Invitae), Labcorp
Classification: Likely benign for Neutropenia, severe congenital, 1, autosomal dominant; Cyclical neutropenia. Last evaluated: 2025-11-05. Review status: criteria provided, single submitter. Criteria: Invitae Variant Classification Sherloc (09022015). Collection method: clinical testing. Allele origin: germline.

CeGaT Center for Human Genetics Tuebingen
Classification: Likely benign. Last evaluated: 2025-08-01. Review status: criteria provided, single submitter. Criteria: CeGaT Center For Human Genetics Tuebingen Variant Classification Criteria Version 2. Collection method: clinical testing. Allele origin: germline. Affected: yes. Observed: 1 variant allele.
Comment: ELANE: BP4, BS2

Blueprint Genetics
Classification: Likely benign. Last evaluated: 2024-11-15. Review status: criteria provided, single submitter. Criteria: ACMG Guidelines, 2015. Collection method: clinical testing. Allele origin: germline.